The following is an entry in ClinVar:

ClinVar aggregate classification (germline): Benign/Likely benign. Review status: criteria provided, multiple submitters, no conflicts (2 of 4 stars). 4 submissions from 4 submitters: Benign (1); Likely benign (3). Last evaluated 2025-07-07.

Conditions:
Hereditary nonpolyposis colorectal neoplasms. Identifiers: MedGen C0009405, MeSH D003123.
Hereditary cancer-predisposing syndrome. Also called: Neoplastic Syndromes, Hereditary; Tumor predisposition; Hereditary neoplastic syndrome; Hereditary Cancer Syndrome. Identifiers: Orphanet 140162, MedGen C0027672, MeSH D009386, MONDO:0015356.
Lynch syndrome 4 (LYNCH4). Also called: Colorectal cancer, hereditary nonpolyposis, type 4; Hereditary non-polyposis colorectal cancer, type 4. Identifiers: Orphanet 144, MedGen C1838333, MONDO:0013699, OMIM 614337. Disease mechanism: loss of function.

Allele frequency attached by ClinVar (database versions not stated): gnomAD exomes below 0.00001; ExAC 0.00001.
gnomAD v4.1: 2 of 1,530,920 alleles (0.00013%); highest among the groups gnomAD compares: Non-Finnish European, 0.00018%; no homozygotes.

Submissions (4):

Color Diagnostics, LLC DBA Color Health
Classification: Likely benign for Hereditary cancer-predisposing syndrome. Last evaluated: 2025-07-07. Review status: criteria provided, single submitter. Criteria: ACMG Guidelines, 2015. Collection method: clinical testing. Allele origin: germline.

Labcorp Genetics (formerly Invitae), Labcorp
Classification: Likely benign for Hereditary nonpolyposis colorectal neoplasms. Last evaluated: 2025-06-15. Review status: criteria provided, single submitter. Criteria: Invitae Variant Classification Sherloc (09022015). Collection method: clinical testing. Allele origin: germline.

Myriad Genetics, Inc.
Classification: Likely benign for Lynch syndrome 4. Last evaluated: 2025-01-24. Review status: criteria provided, single submitter. Criteria: Myriad Autosomal Dominant, Autosomal Recessive and X-Linked Classification Criteria (2023). Collection method: clinical testing. Allele origin: unknown.
Comment: This variant is considered likely benign. This variant is intronic and is not expected to impact mRNA splicing.

GeneDx
Classification: Benign. Last evaluated: 2015-09-03. Review status: criteria provided, single submitter. Criteria: GeneDx Variant Classification Process June 2021. Collection method: clinical testing. Allele origin: germline. Affected: yes.

NM_000535.7(PMS2):c.251-13C>T

Gene: PMS2 (PMS1 homolog 2, mismatch repair system component; minus strand). Cytogenetic location: 7p22.1.
Variant type: single nucleotide variant.
Coding change: c.251-13C>T on transcript NM_000535.7 (MANE Select); 13 bases into the intron before coding-DNA position 251, C replaced by T.
Molecular consequence: intron variant.
Genome position (GRCh38, 1-based): chr7:6,003,805, G>A on the plus strand (C>T on the coding strand, the complement: PMS2 is on the minus strand). VCF-style: chr7-6003805-G-A. GRCh37 (hg19) VCF-style: chr7-6043436-G-A.
Other names: c.35+167C>T (NM_001322008.2, NM_001322007.2); c.-155-13C>T (NM_001322010.2, NM_001322004.2, NM_001322013.2 and 3 more transcripts); c.-634-13C>T (NM_001322012.2, NM_001322011.2); c.-234-13C>T (NM_001322015.2); c.251-13C>T (NM_001322006.2, NM_001322014.2).
Identifiers: ClinVar variation 1225087 (VCV001225087.12), dbSNP rs1554304821, ClinGen allele CA4150134.